The following is an entry in ClinVar:

NM_004655.4(AXIN2):c.2171G>C (p.Arg724Thr)

Gene: AXIN2 (axin 2; minus strand). Cytogenetic location: 17q24.1.
Variant type: single nucleotide variant.
Coding change: c.2171G>C on transcript NM_004655.4 (MANE Select); coding-DNA position 2171, G replaced by C.
Protein change: p.Arg724Thr; replaces arginine 724 with threonine.
Molecular consequence: missense variant.
Genome position (GRCh38, 1-based): chr17:65,535,692, C>G on the plus strand (G>C on the coding strand, the complement: AXIN2 is on the minus strand). VCF-style: chr17-65535692-C-G. GRCh37 (hg19) VCF-style: chr17-63531810-C-G.
Other names: c.1976G>C, p.Arg659Thr (NM_001363813.1); short protein forms R659T, R724T.
Identifiers: ClinVar variation 1978277 (VCV001978277.5), dbSNP rs2509397369, ClinGen allele CA400675822.

ClinVar aggregate classification (germline): Uncertain significance. Review status: criteria provided, multiple submitters, no conflicts (2 of 4 stars). 2 submissions from 2 submitters: Uncertain significance (2). Last evaluated 2025-11-08.

Conditions:
Hereditary cancer-predisposing syndrome. Also called: Hereditary Cancer Syndrome; Neoplastic Syndromes, Hereditary; Tumor predisposition; Hereditary neoplastic syndrome. Identifiers: Orphanet 140162, MedGen C0027672, MeSH D009386, MONDO:0015356.
Oligodontia-cancer predisposition syndrome. Also called: TOOTH AGENESIS-COLORECTAL CANCER SYNDROME. Identifiers: Orphanet 300576, MedGen C1837750, MONDO:0012075, OMIM 608615. Disease mechanism: loss of function.

Submissions (2):

Ambry Genetics
Classification: Uncertain significance for Hereditary cancer-predisposing syndrome. Last evaluated: 2025-11-08. Review status: criteria provided, single submitter. Criteria: Ambry Variant Classification Scheme 2023. Collection method: clinical testing. Allele origin: germline.
Comment: The p.R724T variant (also known as c.2171G>C), located in coding exon 8 of the AXIN2 gene, results from a G to C substitution at nucleotide position 2171. The arginine at codon 724 is replaced by threonine, an amino acid with similar properties. This amino acid position is conserved. In addition, the in silico prediction for this alteration is inconclusive. Based on the available evidence, the clinical significance of this variant remains unclear.

Labcorp Genetics (formerly Invitae), Labcorp
Classification: Uncertain significance for Oligodontia-cancer predisposition syndrome. Last evaluated: 2025-09-05. Review status: criteria provided, single submitter. Criteria: Invitae Variant Classification Sherloc (09022015). Collection method: clinical testing. Allele origin: germline.
Comment: This sequence change replaces arginine, which is basic and polar, with threonine, which is neutral and polar, at codon 724 of the AXIN2 protein (p.Arg724Thr). This variant is not present in population databases (gnomAD no frequency). This variant has not been reported in the literature in individuals affected with AXIN2-related conditions. ClinVar contains an entry for this variant (Variation ID: 1978277). Invitae Evidence Modeling of protein sequence and biophysical properties (such as structural, functional, and spatial information, amino acid conservation, physicochemical variation, residue mobility, and thermodynamic stability) indicates that this missense variant is not expected to disrupt AXIN2 protein function with a negative predictive value of 80%. In summary, the available evidence is currently insufficient to determine the role of this variant in disease. Therefore, it has been classified as a Variant of Uncertain Significance.